The following is an entry in ClinVar:

ClinVar aggregate classification (germline): Uncertain significance (1 of 4 stars; one submission).

Allele frequency attached by ClinVar (database versions not stated): gnomAD exomes below 0.00001.
gnomAD v4.1: 1 of 1,614,076 alleles (0.000062%); highest among the groups gnomAD compares: Non-Finnish European, 0.000085%; no homozygotes.

Submission:

Labcorp Genetics (formerly Invitae), Labcorp
Classification: Uncertain significance. Last evaluated: 2022-07-13. Review status: criteria provided, single submitter. Criteria: Invitae Variant Classification Sherloc (09022015). Collection method: clinical testing. Allele origin: germline.
Comment: This sequence change falls in intron 6 of the TULP1 gene. It does not directly change the encoded amino acid sequence of the TULP1 protein. This variant is not present in population databases (gnomAD no frequency). This variant has not been reported in the literature in individuals affected with TULP1-related conditions. Algorithms developed to predict the effect of sequence changes on RNA splicing suggest that this variant may create or strengthen a splice site. In summary, the available evidence is currently insufficient to determine the role of this variant in disease. Therefore, it has been classified as a Variant of Uncertain Significance.

NM_003322.6(TULP1):c.602-15C>T

Gene: TULP1 (TUB like protein 1; minus strand). Cytogenetic location: 6p21.31.
Variant type: single nucleotide variant.
Coding change: c.602-15C>T on transcript NM_003322.6 (MANE Select); 15 bases into the intron before coding-DNA position 602, C replaced by T.
Molecular consequence: intron variant.
Genome position (GRCh38, 1-based): chr6:35,509,765, G>A on the plus strand (C>T on the coding strand, the complement: TULP1 is on the minus strand). VCF-style: chr6-35509765-G-A. GRCh37 (hg19) VCF-style: chr6-35477542-G-A.
Other names: c.443-15C>T (NM_001289395.2).
Identifiers: ClinVar variation 2016624 (VCV002016624.4), dbSNP rs2533804339, ClinGen allele CA2580074423.
Genomic context (GRCh38, chr6:35,509,765, plus strand): 5'-GCACTGGCTGGGCTCCCTGAGGGGTCCTTGTCGGCCTCCCCAGACCCTGCATGTGTGGAT[G>A]TGAAAGCGTCACAACCCCCACCGCAACTGGAGTCCCCTGTTCCTCCCTAGGCTGGGCTCA-3'